The following is an entry in ClinVar:

ClinVar aggregate classification (germline): Uncertain significance (0 of 4 stars; one submission).

Conditions:
MRAP2-related disorder. Also called: MRAP2-related condition.

gnomAD v4.1: 1 of 152,134 alleles (0.00066%); highest among the groups gnomAD compares: African/African-American, 0.0024%; no homozygotes.

Submission:

PreventionGenetics, part of Exact Sciences
Classification: Uncertain significance for MRAP2-related condition. Last evaluated: 2024-04-24. Review status: no assertion criteria provided. Collection method: clinical testing. Allele origin: germline.
Comment: The MRAP2 c.57C>T variant is not predicted to result in an amino acid change (p.=). This variant is predicted to alter splicing based on available splicing prediction programs (SpliceAI, Jaganathan et al. 2019. PubMed ID: 30661751). However, such computer prediction programs are imperfect. To our knowledge, this variant has not been reported in the literature. This variant is reported in 0.011% of alleles in individuals of African descent in gnomAD. At this time, the clinical significance of this variant is uncertain due to the absence of conclusive functional and genetic evidence.

NM_138409.4(MRAP2):c.228-1815C>T

Gene: MRAP2 (melanocortin 2 receptor accessory protein 2; plus strand). Cytogenetic location: 6q14.2.
Variant type: single nucleotide variant.
Coding change: c.228-1815C>T on transcript NM_138409.4 (MANE Select); 1815 bases into the intron before coding-DNA position 228, C replaced by T.
Molecular consequence: intron variant. On other transcripts: synonymous variant (1).
Genome position (GRCh38, 1-based): chr6:84,087,276, C>T. VCF-style: chr6-84087276-C-T. GRCh37 (hg19) VCF-style: chr6-84796995-C-T.
Other names: c.57C>T, p.Ser19= (NM_001346543.2); c.228-1815C>T (NM_001346542.2, NM_001346544.2); c.-31-1815C>T (NM_001346541.2).
Identifiers: ClinVar variation 3344552 (VCV003344552.1).